The following is an entry in ClinVar:

ClinVar aggregate classification (germline): Pathogenic (1 of 4 stars; one submission).

Submission:

Quest Diagnostics Nichols Institute San Juan Capistrano
Classification: Pathogenic. Last evaluated: 2023-10-19. Review status: criteria provided, single submitter. Criteria: ACMG/ClinGen CNV Guidelines, 2019. Collection method: clinical testing. Allele origin: unknown.
Comment: This duplication involves numerous protein-coding genes and contains the region associated with 3q29 duplication syndrome (OMIM 611936). In addition, duplications of various sizes overlapping the current region have been reported (Dworschak 2017, Pavone 2016, Riehmer 2017, Serra 2023). Thus, based on current medical literature and gene count, this CNV is classified as pathogenic. References: Dworschak et al., Clin Genet. 2017 May;91(5):661-671. PMID: 27549440; Pavone et al., Clin Dysmorphol. 2016 Jul;25(3):121-7. PMID: 26918294; Riehmer et al., Am J Med Genet A. 2017 Aug;173(8):2132-2138. PMID: 28574232; Serra et al., Ital J Pediatr. 2023 Feb 9;49(1):17. PMID: 36759911

GRCh37/hg19 3q26.31-29(chr3:174764228-197851986)x3

Genes: CLCN2 (chloride voltage-gated channel 2; minus strand), CLDN1 (claudin 1; minus strand), CLDN16 (claudin 16; plus strand), DNAJB11 (DnaJ heat shock protein family (Hsp40) member B11; plus strand), DNAJC19 (DnaJ heat shock protein family (Hsp40) member C19; minus strand) and 143 more. Cytogenetic location: 3q26.31-29.
Variant type: copy number gain.
Change: copy number 3 (three copies instead of two) of chr3:174,764,228-197,851,986 (23.09 Mb, GRCh37 coordinates, 1-based), cytogenetic band 3q26.31-29.
Identifiers: ClinVar variation 3391843 (VCV003391843.1).